The following is an entry in ClinVar:

NM_003801.4(GPAA1):c.111G>A (p.Leu37=)

Gene: GPAA1 (glycosylphosphatidylinositol anchor attachment 1; plus strand). Cytogenetic location: 8q24.3.
Variant type: single nucleotide variant.
Coding change: c.111G>A on transcript NM_003801.4 (MANE Select); coding-DNA position 111, G replaced by A.
Protein change: p.Leu37=; no amino-acid change (leucine 37 retained).
Molecular consequence: synonymous variant.
Genome position (GRCh38, 1-based): chr8:144,083,160, G>A. VCF-style: chr8-144083160-G-A. GRCh37 (hg19) VCF-style: chr8-145138063-G-A.
Other names: p.Leu37=.
Identifiers: ClinVar variation 1583379 (VCV001583379.10), dbSNP rs138412600, ClinGen allele CA4932714.
Genomic context (GRCh38, chr8:144,083,160, plus strand): 5'-GTGCCCCTCCGTCCTCTCTCACAGCGTGCTGAGCTACGTGGCGGGCATCGCCTGGTTCTT[G>A]GCGCTGGTTTTCCCGCCGCTGACCCAGCGCACTTACATGTCGGAGAACGCCATGGGCTCC-3'
Protein context (NP_003792.1, residues 27-47): LSYVAGIAWF[Leu37=]ALVFPPLTQR

ClinVar aggregate classification (germline): Benign. Review status: criteria provided, multiple submitters, no conflicts (2 of 4 stars). 3 submissions from 3 submitters: Benign (3). Last evaluated 2026-02-03.

Allele frequency attached by ClinVar (database versions not stated): 1000 Genomes Project 30x 0.00422; gnomAD exomes 0.01544 and 0.01144; 1000 Genomes Project 0.00439; gnomAD 0.01240 and 0.01138; ExAC 0.01182; ESP Exome Variant Server 0.01358; TOPMed 0.01004.
gnomAD v4.1: 24,140 of 1,612,620 alleles (1.5%); highest among the groups gnomAD compares: Non-Finnish European, 1.8%; 261 homozygotes.

Submissions (3):

Labcorp Genetics (formerly Invitae), Labcorp
Classification: Benign. Last evaluated: 2026-02-03. Review status: criteria provided, single submitter. Criteria: Invitae Variant Classification Sherloc (09022015). Collection method: clinical testing. Allele origin: germline.

Mayo Clinic Laboratories, Mayo Clinic
Classification: Benign. Last evaluated: 2022-12-23. Review status: criteria provided, single submitter. Criteria: ACMG Guidelines, 2015. Collection method: clinical testing. Allele origin: germline. Observed: 6 variant alleles.
Comment: BS1, BS2, BP4, BP7

Breakthrough Genomics
Classification: Benign. Review status: criteria provided, single submitter. Criteria: ACMG Guidelines, 2015. Collection method: not provided. Allele origin: germline. Inheritance: Autosomal recessive inheritance. Affected: yes.